The following is an entry in ClinVar:

ClinVar aggregate classification (germline): Uncertain significance (1 of 4 stars; one submission).

gnomAD v4.1: 4 of 1,614,038 alleles (0.00025%); highest among the groups gnomAD compares: Middle Eastern, 0.033%; no homozygotes.

Submission:

GeneDx
Classification: Uncertain significance. Last evaluated: 2023-09-10. Review status: criteria provided, single submitter. Criteria: GeneDx Variant Classification Process June 2021. Collection method: clinical testing. Allele origin: germline. Affected: yes.
Comment: In silico analysis supports that this missense variant has a deleterious effect on protein structure/function; Has not been previously published as pathogenic or benign to our knowledge; Variants in candidate genes are classified as variants of uncertain significance in accordance with ACMG guidelines (Richards et al., 2015)

NM_001347886.2(DNAH3):c.2475G>C (p.Gln825His)

Gene: DNAH3 (dynein axonemal heavy chain 3; minus strand). Cytogenetic location: 16p12.3.
Variant type: single nucleotide variant.
Coding change: c.2475G>C on transcript NM_001347886.2 (MANE Select); coding-DNA position 2475, G replaced by C.
Protein change: p.Gln825His; replaces glutamine 825 with histidine.
Molecular consequence: missense variant.
Genome position (GRCh38, 1-based): chr16:21,097,407, C>G on the plus strand (G>C on the coding strand, the complement: DNAH3 is on the minus strand). VCF-style: chr16-21097407-C-G. GRCh37 (hg19) VCF-style: chr16-21108728-C-G.
Other names: c.2613G>C, p.Gln871His (NM_017539.2); short protein forms Q825H, Q871H.
Identifiers: ClinVar variation 3774943 (VCV003774943.1).